The following is an entry in ClinVar:

ClinVar aggregate classification (germline): Uncertain significance (1 of 4 stars; one submission).

Conditions:
EBP-related disorder. Also called: EBP-related condition.

Submission:

PreventionGenetics, part of Exact Sciences
Classification: Uncertain significance for EBP-related condition. Last evaluated: 2025-07-07. Review status: criteria provided, single submitter. Criteria: ACMG Guidelines, 2015. Collection method: clinical testing. Allele origin: germline.
Comment: The EBP c.20C>G variant is predicted to result in the amino acid substitution p.Pro7Arg. To our knowledge, this variant has not been reported in the literature or in a large population database (gnomAD), indicating this variant is rare. At this time, the clinical significance of this variant is uncertain due to the absence of conclusive functional and genetic evidence.

NM_006579.3(EBP):c.20C>G (p.Pro7Arg)

Gene: EBP (EBP cholestenol delta-isomerase; plus strand). Cytogenetic location: Xp11.23.
Variant type: single nucleotide variant.
Coding change: c.20C>G on transcript NM_006579.3 (MANE Select); coding-DNA position 20, C replaced by G.
Protein change: p.Pro7Arg; replaces proline 7 with arginine.
Molecular consequence: missense variant.
Genome position (GRCh38, 1-based): chrX:48,523,791, C>G. VCF-style: chrX-48523791-C-G. GRCh37 (hg19) VCF-style: chrX-48382179-C-G.
Other names: short protein forms P7R.
Identifiers: ClinVar variation 5002209 (VCV005002209.1).